The following is an entry in ClinVar:

ClinVar aggregate classification (germline): Uncertain significance. Review status: criteria provided, multiple submitters, no conflicts (2 of 4 stars). 2 submissions from 2 submitters: Uncertain significance (2). Last evaluated 2023-02-27.

Conditions:
JAG1-related disorder. Also called: JAG1-related disorders; JAG1-related condition.
Alagille syndrome due to a JAG1 point mutation. Also called: JAG1-Related Alagille Syndrome; Alagille Syndrome 1; HEPATIC DUCTULAR HYPOPLASIA, SYNDROMATIC. Identifiers: Orphanet 261619, Orphanet 52, MedGen C1956125, MONDO:0016862, OMIM 118450.

Submissions (2):

PreventionGenetics, part of Exact Sciences
Classification: Uncertain significance for JAG1-related condition. Last evaluated: 2023-02-27. Review status: criteria provided, single submitter. Criteria: ACMG Guidelines, 2015. Collection method: clinical testing. Allele origin: germline.
Comment: The JAG1 c.2675G>A variant is predicted to result in the amino acid substitution p.Cys892Tyr. To our knowledge, this variant has not been reported in the literature or in a large population database, indicating this variant is rare. At this time, the clinical significance of this variant is uncertain due to the absence of conclusive functional and genetic evidence.

HudsonAlpha Institute for Biotechnology
Classification: Uncertain significance for Alagille syndrome due to a JAG1 point mutation. Last evaluated: 2022-08-04. Review status: criteria provided, single submitter. Criteria: ACMG Guidelines, 2015. Collection method: research. Allele origin: unknown. Observed: 1 variant allele. Study: HudsonAlpha-AGHI-WGS.
Comment: ACMG codes:PM2_Moderate, PP2_Supporting, PP3_Supporting

NM_000214.3(JAG1):c.2675G>A (p.Cys892Tyr)

Gene: JAG1 (jagged canonical Notch ligand 1; minus strand). Cytogenetic location: 20p12.2.
Variant type: single nucleotide variant.
Coding change: c.2675G>A on transcript NM_000214.3 (MANE Select); coding-DNA position 2675, G replaced by A.
Protein change: p.Cys892Tyr; replaces cysteine 892 with tyrosine.
Molecular consequence: missense variant.
Genome position (GRCh38, 1-based): chr20:10,641,790, C>T on the plus strand (G>A on the coding strand, the complement: JAG1 is on the minus strand). VCF-style: chr20-10641790-C-T. GRCh37 (hg19) VCF-style: chr20-10622438-C-T.
Other names: c.2675G>A (NM_000214.2); short protein forms C892Y.
Identifiers: ClinVar variation 1803744 (VCV001803744.2), dbSNP rs2514509499, ClinGen allele CA408245228.